The following is an entry in ClinVar:

NM_001110556.2(FLNA):c.691C>T (p.Gln231Ter)

Gene: FLNA (filamin A; minus strand). Cytogenetic location: Xq28.
Variant type: single nucleotide variant.
Coding change: c.691C>T on transcript NM_001110556.2 (MANE Select); coding-DNA position 691, C replaced by T.
Protein change: p.Gln231Ter; replaces glutamine 231 with a stop codon.
Molecular consequence: nonsense.
Genome position (GRCh38, 1-based): chrX:154,367,670, G>A on the plus strand (C>T on the coding strand, the complement: FLNA is on the minus strand). VCF-style: chrX-154367670-G-A. GRCh37 (hg19) VCF-style: chrX-153596038-G-A.
Other names: c.691C>T, p.Gln231Ter (NM_001456.4); short protein forms Q231*.
Identifiers: ClinVar variation 1756159 (VCV001756159.2), dbSNP rs2522764531, ClinGen allele CA415248795.

ClinVar aggregate classification (germline): Pathogenic (1 of 4 stars; one submission).

Conditions:
Familial thoracic aortic aneurysm and aortic dissection (TAAD). Also called: Thoracic aortic aneurysms and dissections. Identifiers: Orphanet 91387, MedGen C4707243, MONDO:0019625.

Submission:

Ambry Genetics
Classification: Pathogenic for Familial thoracic aortic aneurysm and aortic dissection. Last evaluated: 2022-04-18. Review status: criteria provided, single submitter. Criteria: Ambry Variant Classification Scheme 2023. Collection method: clinical testing. Allele origin: germline.
Comment: The p.Q231* pathogenic mutation (also known as c.691C>T), located in coding exon 3 of the FLNA gene, results from a C to T substitution at nucleotide position 691. This changes the amino acid from a glutamine to a stop codon within coding exon 3. This variant is considered to be rare based on population cohorts in the Genome Aggregation Database (gnomAD). This alteration is expected to result in loss of function by premature protein truncation or nonsense-mediated mRNA decay. Although loss of function alterations in FLNA have been associated with periventricular nodular heterotopia (PVNH), haploinsufficiency for FLNA has not been clearly established as a mechanism of disease for otopalatodigital syndrome types 1 and 2 (OPD1 and OPD2). Based on the supporting evidence, this variant is expected to be causative of periventricular nodular heterotopia (PVNH); however, its clinical significance for otopalatodigital syndrome types 1 and 2 (OPD1 and OPD2) is unclear.

Literature cited by the submitters: PubMed 22076441.